The following is an entry in ClinVar:

ClinVar aggregate classification (germline): Pathogenic (1 of 4 stars; one submission).

Submission:

Labcorp Genetics (formerly Invitae), Labcorp
Classification: Pathogenic. Last evaluated: 2019-10-30. Review status: criteria provided, single submitter. Criteria: Invitae Variant Classification Sherloc (09022015). Collection method: clinical testing. Allele origin: germline.
Comment: This sequence change creates a premature translational stop signal (p.Phe369Leufs*92) in the LZTR1 gene. It is expected to result in an absent or disrupted protein product. This variant is not present in population databases (ExAC no frequency). This variant has not been reported in the literature in individuals with LZTR1-related conditions. Loss-of-function variants in LZTR1 are known to be pathogenic (PMID: 24362817, 25335493, 25480913, 29469822, 30442762, 30859559). For these reasons, this variant has been classified as Pathogenic.

Literature cited by the submitters: PubMed 24362817; PubMed 25335493; PubMed 25480913; PubMed 29469822; PubMed 30442762; PubMed 30859559.

NM_006767.4(LZTR1):c.1107del (p.Phe369fs)

Gene: LZTR1 (leucine zipper like post translational regulator 1; plus strand). Cytogenetic location: 22q11.21.
Variant type: Deletion.
Coding change: c.1107del on transcript NM_006767.4 (MANE Select); coding-DNA position 1107, one base deleted (T; older notation c.1107delT).
Protein change: p.Phe369fs; shifts the reading frame from phenylalanine 369.
Molecular consequence: frameshift variant.
Genome position (GRCh38, 1-based): chr22:20,992,327, T deleted; the last of 3 consecutive T bases (chr22:20,992,325-20,992,327); deleting any one gives the same sequence. VCF-style (leftmost placement, unchanged base first): chr22-20992324-CT-C. GRCh37 (hg19) VCF-style: chr22-21346613-CT-C.
Other names: short protein forms F369fs.
Identifiers: ClinVar variation 963005 (VCV000963005.7), dbSNP rs1924636315, ClinGen allele CA1139666974.